The following is an entry in ClinVar:

ClinVar aggregate classification (germline): Uncertain significance. Review status: criteria provided, multiple submitters, no conflicts (2 of 4 stars). 2 submissions from 2 submitters: Uncertain significance (2). Last evaluated 2022-08-10.

Conditions:
Nephronophthisis 14 (NPHP14). Identifiers: Orphanet 2318, MedGen C3539071, MONDO:0013916, OMIM 614844.

Allele frequency attached by ClinVar (database versions not stated): gnomAD 0.00001; TOPMed 0.00002; gnomAD exomes 0.00004; ExAC 0.00005.

Submissions (2):

Labcorp Genetics (formerly Invitae), Labcorp
Classification: Uncertain significance for Nephronophthisis 14. Last evaluated: 2022-08-10. Review status: criteria provided, single submitter. Criteria: Invitae Variant Classification Sherloc (09022015). Collection method: clinical testing. Allele origin: germline.
Comment: This sequence change replaces threonine, which is neutral and polar, with methionine, which is neutral and non-polar, at codon 83 of the ZNF423 protein (p.Thr83Met). This variant is present in population databases (rs200710667, gnomAD 0.01%). This variant has not been reported in the literature in individuals affected with ZNF423-related conditions. ClinVar contains an entry for this variant (Variation ID: 1400617). Algorithms developed to predict the effect of missense changes on protein structure and function are either unavailable or do not agree on the potential impact of this missense change (SIFT: "Tolerated"; PolyPhen-2: "Probably Damaging"; Align-GVGD: "Class C0"). In summary, the available evidence is currently insufficient to determine the role of this variant in disease. Therefore, it has been classified as a Variant of Uncertain Significance.

Blueprint Genetics
Classification: Uncertain significance. Last evaluated: 2021-12-13. Review status: criteria provided, single submitter. Criteria: ACMG Guidelines, 2015. Collection method: clinical testing. Allele origin: germline.

NM_001379286.1(ZNF423):c.272C>T (p.Thr91Met)

Gene: ZNF423 (zinc finger protein 423; minus strand). Cytogenetic location: 16q12.1.
Variant type: single nucleotide variant.
Coding change: c.272C>T on transcript NM_001379286.1 (MANE Select); coding-DNA position 272, C replaced by T.
Protein change: p.Thr91Met; replaces threonine 91 with methionine.
Molecular consequence: missense variant.
Genome position (GRCh38, 1-based): chr16:49,730,800, G>A on the plus strand (C>T on the coding strand, the complement: ZNF423 is on the minus strand). VCF-style: chr16-49730800-G-A. GRCh37 (hg19) VCF-style: chr16-49764711-G-A.
Other names: c.68C>T, p.Thr23Met (NM_001271620.2); c.248C>T, p.Thr83Met (NM_015069.5); short protein forms T23M, T91M, T83M.
Identifiers: ClinVar variation 1400617 (VCV001400617.4), dbSNP rs200710667, ClinGen allele CA8046928.